The following is an entry in ClinVar:

NM_006393.3(NEBL):c.1948A>G (p.Lys650Glu)

Gene: NEBL (nebulette; minus strand). Cytogenetic location: 10p12.31.
Variant type: single nucleotide variant.
Coding change: c.1948A>G on transcript NM_006393.3 (MANE Select); coding-DNA position 1948, A replaced by G.
Protein change: p.Lys650Glu; replaces lysine 650 with glutamic acid.
Molecular consequence: missense variant. On other transcripts: intron variant (9).
Genome position (GRCh38, 1-based): chr10:20,823,222, T>C on the plus strand (A>G on the coding strand, the complement: NEBL is on the minus strand). VCF-style: chr10-20823222-T-C. GRCh37 (hg19) VCF-style: chr10-21112151-T-C.
Other names: c.250-10282A>G (NM_001377326.1, NM_001377327.1, NM_001377328.1); c.358-10282A>G (NM_213569.2, NM_001173484.2, NM_001377322.1); c.301-10282A>G (NM_001377324.1); c.292-10282A>G (NM_001377325.1); c.310-10282A>G (NM_001377323.1); short protein forms K650E.
Identifiers: ClinVar variation 2187189 (VCV002187189.4), dbSNP rs746940206, ClinGen allele CA5432692.

ClinVar aggregate classification (germline): Uncertain significance (1 of 4 stars; one submission).

Conditions:
Primary dilated cardiomyopathy (DCM). Also called: Dilated Cardiomyopathy. Identifiers: Orphanet 217604, MedGen C0007193, MeSH D002311, MONDO:0005021, HP:0001644. Inheritance: Various modes of inheritance.

Allele frequency attached by ClinVar (database versions not stated): gnomAD exomes below 0.00001; ExAC 0.00001.
gnomAD v4.1: 1 of 1,605,498 alleles (0.000062%); highest among the groups gnomAD compares: African/African-American, 0.0013%; no homozygotes.

Submission:

Labcorp Genetics (formerly Invitae), Labcorp
Classification: Uncertain significance for Primary dilated cardiomyopathy. Last evaluated: 2022-08-06. Review status: criteria provided, single submitter. Criteria: Invitae Variant Classification Sherloc (09022015). Collection method: clinical testing. Allele origin: germline.
Comment: In summary, the available evidence is currently insufficient to determine the role of this variant in disease. Therefore, it has been classified as a Variant of Uncertain Significance. Algorithms developed to predict the effect of missense changes on protein structure and function output the following: SIFT: "Deleterious"; PolyPhen-2: "Benign"; Align-GVGD: "Class C0". The glutamic acid amino acid residue is found in multiple mammalian species, which suggests that this missense change does not adversely affect protein function. This variant has not been reported in the literature in individuals affected with NEBL-related conditions. This variant is present in population databases (rs746940206, gnomAD 0.007%). This sequence change replaces lysine, which is basic and polar, with glutamic acid, which is acidic and polar, at codon 650 of the NEBL protein (p.Lys650Glu).